The following is an entry in ClinVar:

ClinVar aggregate classification (germline): Uncertain significance. Review status: criteria provided, multiple submitters, no conflicts (2 of 4 stars). 2 submissions from 2 submitters: Uncertain significance (2). Last evaluated 2025-02-24.

Allele frequency attached by ClinVar (database versions not stated): TOPMed 0.00001.
gnomAD v4.1: 6 of 1,613,778 alleles (0.00037%); highest among the groups gnomAD compares: African/African-American, 0.0013%; no homozygotes.

Submissions (2):

Labcorp Genetics (formerly Invitae), Labcorp
Classification: Uncertain significance. Last evaluated: 2025-02-24. Review status: criteria provided, single submitter. Criteria: Invitae Variant Classification Sherloc (09022015). Collection method: clinical testing. Allele origin: germline.
Comment: This sequence change falls in intron 28 of the COL9A3 gene. It does not directly change the encoded amino acid sequence of the COL9A3 protein. It affects a nucleotide within the consensus splice site. This variant is present in population databases (no rsID available, gnomAD 0.0009%). This variant has not been reported in the literature in individuals affected with COL9A3-related conditions. ClinVar contains an entry for this variant (Variation ID: 1959150). Variants that disrupt the consensus splice site are a relatively common cause of aberrant splicing (PMID: 17576681, 9536098). Algorithms developed to predict the effect of sequence changes on RNA splicing suggest that this variant may disrupt the consensus splice site. In summary, the available evidence is currently insufficient to determine the role of this variant in disease. Therefore, it has been classified as a Variant of Uncertain Significance.

Blueprint Genetics
Classification: Uncertain significance. Last evaluated: 2021-03-23. Review status: criteria provided, single submitter. Criteria: ACMG Guidelines, 2015. Collection method: clinical testing. Allele origin: germline.

Literature cited by the submitters: PubMed 17576681 (cited by Labcorp Genetics (formerly Invitae), Labcorp); PubMed 9536098 (cited by Labcorp Genetics (formerly Invitae), Labcorp).

NM_001853.4(COL9A3):c.1548+5G>A

Genes: COL9A3 (collagen type IX alpha 3 chain; plus strand), LOC126863084 (MED14-independent group 3 enhancer GRCh37_chr20:61467141-61468340; plus strand). Cytogenetic location: 20q13.33.
Variant type: single nucleotide variant.
Coding change: c.1548+5G>A on transcript NM_001853.4 (MANE Select); 5 bases into the intron after coding-DNA position 1548, G replaced by A.
Molecular consequence: intron variant.
Genome position (GRCh38, 1-based): chr20:62,836,338, G>A. VCF-style: chr20-62836338-G-A. GRCh37 (hg19) VCF-style: chr20-61467690-G-A.
Identifiers: ClinVar variation 1959150 (VCV001959150.6), dbSNP rs749613543, ClinGen allele CA636612211.
Genomic context (GRCh38, chr20:62,836,338, plus strand): 5'-TGGGCCTGCAGGGCGTCCCGGGTGTTCCTGGCATCACGGGGAAGCCGGGAGTTCCGGTAC[G>A]TCGCTTTTCCGGCTTTTCCAGCTTTCACAGGGTTGAGATCGTGTTTTTTCCGGAAGGAAG-3'